The following is an entry in ClinVar:

NM_152618.3(BBS12):c.854TAG[1] (p.Val286del)

Gene: BBS12 (Bardet-Biedl syndrome 12; plus strand). Cytogenetic location: 4q27.
Variant type: Microsatellite.
Coding change: c.854TAG[1] on transcript NM_152618.3 (MANE Select); one copy of the 3-base unit TAG starting at c.854; the reference has two copies in a row; one copy, 3 bases deleted.
Protein change: p.Val286del; deletes valine 286.
Molecular consequence: inframe deletion.
Genome position (GRCh38, 1-based): chr4:122,742,749-122,742,751, TAG deleted; deleting any 3 consecutive bases within chr4:122,742,746-122,742,751 gives the same sequence; the position shown is the placement nearest the transcript's 3' end. VCF-style (leftmost placement, unchanged base first): chr4-122742745-TTAG-T. GRCh37 (hg19) VCF-style: chr4-123663900-TTAG-T.
Other names: c.854TAG[1], p.Val286del (NM_001178007.2); short protein forms V286del.
Identifiers: ClinVar variation 1955786 (VCV001955786.2), dbSNP rs2485074275, ClinGen allele CA2580616765.

ClinVar aggregate classification (germline): Uncertain significance (1 of 4 stars; one submission).

Conditions:
Bardet-Biedl syndrome (BBS). Identifiers: Orphanet 110, MedGen C0752166, MONDO:0015229.

Submission:

Labcorp Genetics (formerly Invitae), Labcorp
Classification: Uncertain significance for Bardet-Biedl syndrome. Last evaluated: 2022-08-09. Review status: criteria provided, single submitter. Criteria: Invitae Variant Classification Sherloc (09022015). Collection method: clinical testing. Allele origin: germline.
Comment: This variant, c.857_859del, results in the deletion of 1 amino acid(s) of the BBS12 protein (p.Val286del), but otherwise preserves the integrity of the reading frame. This variant is not present in population databases (gnomAD no frequency). This variant has been observed in individual(s) with clinical features of Bardet-Biedl syndrome (Invitae). Experimental studies and prediction algorithms are not available or were not evaluated, and the functional significance of this variant is currently unknown. In summary, the available evidence is currently insufficient to determine the role of this variant in disease. Therefore, it has been classified as a Variant of Uncertain Significance.